The following is an entry in ClinVar:

NM_000051.4(ATM):c.331+5G>C

Gene: ATM (ATM serine/threonine kinase; plus strand). Cytogenetic location: 11q22.3.
Variant type: single nucleotide variant.
Coding change: c.331+5G>C on transcript NM_000051.4 (MANE Select); 5 bases into the intron after coding-DNA position 331, G replaced by C.
Molecular consequence: intron variant. On other transcripts: missense variant (2).
Genome position (GRCh38, 1-based): chr11:108,229,328, G>C. VCF-style: chr11-108229328-G-C. GRCh37 (hg19) VCF-style: chr11-108100055-G-C.
Other names: c.336G>C, p.Lys112Asn (NM_001351835.2, NM_001351836.2); c.331+5G>C (NM_001351834.2); short protein forms K112N.
Identifiers: ClinVar variation 1730085 (VCV001730085.5), dbSNP rs752135143, ClinGen allele CA382521863.

ClinVar aggregate classification (germline): Conflicting classifications of pathogenicity. Review status: criteria provided, conflicting classifications (1 of 4 stars). 2 submissions from 2 submitters: Pathogenic (1); Uncertain significance (1). Last evaluated 2023-05-08.

Conditions:
Hereditary cancer-predisposing syndrome. Also called: Neoplastic Syndromes, Hereditary; Tumor predisposition; Hereditary Cancer Syndrome; Hereditary neoplastic syndrome. Identifiers: Orphanet 140162, MedGen C0027672, MeSH D009386, MONDO:0015356.
Ataxia-telangiectasia syndrome (AT). Also called: LOUIS-BAR SYNDROME; Cerebello-oculocutaneous telangiectasia; Immunodeficiency with ataxia telangiectasia; Ataxia-telangiectasia, complementation group D; AT, COMPLEMENTATION GROUP C; ATAXIA-TELANGIECTASIA, COMPLEMENTATION GROUP A. Identifiers: Orphanet 100, MedGen C0004135, MONDO:0008840, OMIM 208900.

Submissions (2):

Labcorp Genetics (formerly Invitae), Labcorp
Classification: Pathogenic for Ataxia-telangiectasia syndrome. Last evaluated: 2023-05-08. Review status: criteria provided, single submitter. Criteria: Invitae Variant Classification Sherloc (09022015). Collection method: clinical testing. Allele origin: germline.
Comment: This sequence change falls in intron 4 of the ATM gene. It does not directly change the encoded amino acid sequence of the ATM protein. RNA analysis indicates that this variant induces altered splicing and may result in an absent or disrupted protein product. For these reasons, this variant has been classified as Pathogenic. This variant disrupts the c.331+5G nucleotide in the ATM gene. Other variant(s) that disrupt this nucleotide have been determined to be pathogenic (PMID: 19535770, 22006793, 22213089, 23726790). This suggests that this nucleotide is clinically significant, and that variants that disrupt this position are likely to be disease-causing. Variants that disrupt the consensus splice site are a relatively common cause of aberrant splicing (PMID: 17576681, 9536098). Studies have shown that this variant results in skipping of exon 4 and activation of a cryptic splice site and introduces a premature termination codon (Invitae). The resulting mRNA is expected to undergo nonsense-mediated decay. ClinVar contains an entry for this variant (Variation ID: 1730085). This variant has not been reported in the literature in individuals affected with ATM-related conditions. This variant is not present in population databases (gnomAD no frequency).

Ambry Genetics
Classification: Uncertain significance for Hereditary cancer-predisposing syndrome. Last evaluated: 2022-03-28. Review status: criteria provided, single submitter. Criteria: Ambry Variant Classification Scheme 2023. Collection method: clinical testing. Allele origin: germline.
Comment: The c.331+5G>C intronic variant results from a G to C substitution 5 nucleotides after coding exon 3 in the ATM gene. This nucleotide position is highly conserved in available vertebrate species. In silico splice site analysis predicts that this alteration will weaken the native splice donor site. Since supporting evidence is limited at this time, the clinical significance of this alteration remains unclear.

Literature cited by the submitters: PubMed 19535770 (cited by Labcorp Genetics (formerly Invitae), Labcorp); PubMed 22006793 (cited by Labcorp Genetics (formerly Invitae), Labcorp); PubMed 22213089 (cited by Labcorp Genetics (formerly Invitae), Labcorp); PubMed 23726790 (cited by Labcorp Genetics (formerly Invitae), Labcorp); PubMed 17576681 (cited by Labcorp Genetics (formerly Invitae), Labcorp); PubMed 9536098 (cited by Labcorp Genetics (formerly Invitae), Labcorp).